The following is an entry in ClinVar:

NM_021625.5(TRPV4):c.1840C>A (p.Leu614Ile)

Gene: TRPV4 (transient receptor potential cation channel subfamily V member 4; minus strand). Cytogenetic location: 12q24.11.
Variant type: single nucleotide variant.
Coding change: c.1840C>A on transcript NM_021625.5 (MANE Select); coding-DNA position 1840, C replaced by A.
Protein change: p.Leu614Ile; replaces leucine 614 with isoleucine.
Molecular consequence: missense variant.
Genome position (GRCh38, 1-based): chr12:109,792,414, G>T on the plus strand (C>A on the coding strand, the complement: TRPV4 is on the minus strand). VCF-style: chr12-109792414-G-T. GRCh37 (hg19) VCF-style: chr12-110230219-G-T.
Other names: c.1699C>A, p.Leu567Ile (NM_001177428.2); c.1738C>A, p.Leu580Ile (NM_001177431.2); c.1519C>A, p.Leu507Ile (NM_001177433.2); c.1660C>A, p.Leu554Ile (NM_147204.3); short protein forms L507I, L554I, L567I, L580I, L614I.
Identifiers: ClinVar variation 3624967 (VCV003624967.2).
Genomic context (GRCh38, chr12:109,792,414, plus strand): 5'-AGAGCTCACCTGAAGCGTAGCCGATCATGAAGAGCAAGTAGACGAGCAGGAATCGGAAAA[G>T]GTCCTTGAAGAGAATCTAAAGACCCCAGCGGGATTATGGAGGCAAAGAGGAGACACATGG-3'
Protein context (NP_067638.3, residues 604-624): IMIQKILFKD[Leu614Ile]FRFLLVYLLF

ClinVar aggregate classification (germline): Uncertain significance (1 of 4 stars; one submission).

Conditions:
Charcot-Marie-Tooth disease axonal type 2C (HMSN2C). Also called: CHARCOT-MARIE-TOOTH DISEASE, AXONAL, AUTOSOMAL DOMINANT, TYPE 2C; Charcot-Marie-Tooth Neuropathy Type 2C; Charcot-Marie-Tooth Disease Type 2, TRPV4-Related (CMT2C). Identifiers: Orphanet 99937, MedGen C1853710, MONDO:0011633, OMIM 606071.

gnomAD v4.1: 1 of 1,613,972 alleles (0.000062%); no homozygotes.

Submission:

Labcorp Genetics (formerly Invitae), Labcorp
Classification: Uncertain significance for Charcot-Marie-Tooth disease axonal type 2C. Last evaluated: 2024-01-31. Review status: criteria provided, single submitter. Criteria: Invitae Variant Classification Sherloc (09022015). Collection method: clinical testing. Allele origin: germline.
Comment: This sequence change replaces leucine, which is neutral and non-polar, with isoleucine, which is neutral and non-polar, at codon 614 of the TRPV4 protein (p.Leu614Ile). This variant is present in population databases (no rsID available, gnomAD 0.0009%). This variant has not been reported in the literature in individuals affected with TRPV4-related conditions. Advanced modeling of protein sequence and biophysical properties (such as structural, functional, and spatial information, amino acid conservation, physicochemical variation, residue mobility, and thermodynamic stability) has been performed at Invitae for this missense variant, however the output from this modeling did not meet the statistical confidence thresholds required to predict the impact of this variant on TRPV4 protein function. In summary, the available evidence is currently insufficient to determine the role of this variant in disease. Therefore, it has been classified as a Variant of Uncertain Significance.